The following is an entry in ClinVar:

NM_018089.3(ANKZF1):c.1822C>T (p.Pro608Ser)

Gene: ANKZF1 (ankyrin repeat and zinc finger peptidyl tRNA hydrolase 1; plus strand). Cytogenetic location: 2q35.
Variant type: single nucleotide variant.
Coding change: c.1822C>T on transcript NM_018089.3 (MANE Select); coding-DNA position 1822, C replaced by T.
Protein change: p.Pro608Ser; replaces proline 608 with serine.
Molecular consequence: missense variant.
Genome position (GRCh38, 1-based): chr2:219,235,726, C>T. VCF-style: chr2-219235726-C-T. GRCh37 (hg19) VCF-style: chr2-220100448-C-T.
Other names: c.1822C>T, p.Pro608Ser (NM_001042410.2); c.1192C>T, p.Pro398Ser (NM_001282792.2); short protein forms P398S, P608S.
Identifiers: ClinVar variation 4698348 (VCV004698348.1).

ClinVar aggregate classification (germline): Uncertain significance (1 of 4 stars; one submission).

Submission:

Labcorp Genetics (formerly Invitae), Labcorp
Classification: Uncertain significance. Last evaluated: 2025-12-02. Review status: criteria provided, single submitter. Criteria: Invitae Variant Classification Sherloc (09022015). Collection method: clinical testing. Allele origin: germline.
Comment: This sequence change replaces proline, which is neutral and non-polar, with serine, which is neutral and polar, at codon 608 of the ANKZF1 protein (p.Pro608Ser). This variant is not present in population databases (gnomAD no frequency). This variant has not been reported in the literature in individuals affected with ANKZF1-related conditions. An algorithm developed to predict the effect of missense changes on protein structure and function outputs the following: PolyPhen-2: "Benign". The serine amino acid residue is found in multiple mammalian species, which suggests that this missense change does not adversely affect protein function. In summary, the available evidence is currently insufficient to determine the role of this variant in disease. Therefore, it has been classified as a Variant of Uncertain Significance.